The following is an entry in ClinVar:

ClinVar aggregate classification (germline): Uncertain significance (1 of 4 stars; one submission).

Submission:

Labcorp Genetics (formerly Invitae), Labcorp
Classification: Uncertain significance. Last evaluated: 2022-06-06. Review status: criteria provided, single submitter. Criteria: Invitae Variant Classification Sherloc (09022015). Collection method: clinical testing. Allele origin: germline.
Comment: In summary, the available evidence is currently insufficient to determine the role of this variant in disease. Therefore, it has been classified as a Variant of Uncertain Significance. Algorithms developed to predict the effect of missense changes on protein structure and function output the following: SIFT: "Tolerated"; PolyPhen-2: "Not Available"; Align-GVGD: "Class C0". The arginine amino acid residue is found in multiple mammalian species, which suggests that this missense change does not adversely affect protein function. This variant has not been reported in the literature in individuals affected with MERTK-related conditions. This variant is not present in population databases (gnomAD no frequency). This sequence change replaces proline, which is neutral and non-polar, with arginine, which is basic and polar, at codon 5 of the MERTK protein (p.Pro5Arg).

NM_006343.3(MERTK):c.14C>G (p.Pro5Arg)

Gene: MERTK (MER proto-oncogene, tyrosine kinase; plus strand). Cytogenetic location: 2q13.
Variant type: single nucleotide variant.
Coding change: c.14C>G on transcript NM_006343.3 (MANE Select); coding-DNA position 14, C replaced by G.
Protein change: p.Pro5Arg; replaces proline 5 with arginine.
Molecular consequence: missense variant.
Genome position (GRCh38, 1-based): chr2:111,898,749, C>G. VCF-style: chr2-111898749-C-G. GRCh37 (hg19) VCF-style: chr2-112656326-C-G.
Other names: short protein forms P5R.
Identifiers: ClinVar variation 2118770 (VCV002118770.4), dbSNP rs766821604, ClinGen allele CA348232511.